The following is an entry in ClinVar:

ClinVar aggregate classification (germline): Uncertain significance. Review status: criteria provided, multiple submitters, no conflicts (2 of 4 stars). 2 submissions from 2 submitters: Uncertain significance (2). Last evaluated 2024-04-19.

Conditions:
Hypertrophic cardiomyopathy. Also called: HYPERTROPHIC MYOCARDIOPATHY. Identifiers: Orphanet 217569, MedGen C0007194, MeSH D002312, MONDO:0005045, HP:0001639.

Allele frequency attached by ClinVar (database versions not stated): ExAC 0.00003; gnomAD 0.00004; gnomAD exomes 0.00004; ESP Exome Variant Server 0.00016.
gnomAD v4.1: 90 of 1,612,430 alleles (0.0056%); highest among the groups gnomAD compares: Non-Finnish European, 0.0062%; no homozygotes.

Submissions (2):

Ambry Genetics
Classification: Uncertain significance. Last evaluated: 2024-04-19. Review status: criteria provided, single submitter. Criteria: Ambry Variant Classification Scheme 2023. Collection method: clinical testing. Allele origin: germline.
Comment: The p.A1121V variant (also known as c.3362C>T), located in coding exon 21 of the MYOM1 gene, results from a C to T substitution at nucleotide position 3362. The alanine at codon 1121 is replaced by valine, an amino acid with similar properties. This amino acid position is conserved. In addition, this alteration is predicted to be tolerated by in silico analysis. Since supporting evidence is limited at this time, the clinical significance of this alteration remains unclear.

Labcorp Genetics (formerly Invitae), Labcorp
Classification: Uncertain significance for Hypertrophic cardiomyopathy. Last evaluated: 2024-02-11. Review status: criteria provided, single submitter. Criteria: Invitae Variant Classification Sherloc (09022015). Collection method: clinical testing. Allele origin: germline.
Comment: This sequence change replaces alanine, which is neutral and non-polar, with valine, which is neutral and non-polar, at codon 1121 of the MYOM1 protein (p.Ala1121Val). This variant is present in population databases (rs371614580, gnomAD 0.01%). This variant has not been reported in the literature in individuals affected with MYOM1-related conditions. ClinVar contains an entry for this variant (Variation ID: 1443300). Algorithms developed to predict the effect of missense changes on protein structure and function output the following: SIFT: "Not Available"; PolyPhen-2: "Benign"; Align-GVGD: "Not Available". The valine amino acid residue is found in multiple mammalian species, which suggests that this missense change does not adversely affect protein function. Algorithms developed to predict the effect of sequence changes on RNA splicing suggest that this variant may create or strengthen a splice site. In summary, the available evidence is currently insufficient to determine the role of this variant in disease. Therefore, it has been classified as a Variant of Uncertain Significance.

NM_003803.4(MYOM1):c.3362C>T (p.Ala1121Val)

Gene: MYOM1 (myomesin 1; minus strand). Cytogenetic location: 18p11.31.
Variant type: single nucleotide variant.
Coding change: c.3362C>T on transcript NM_003803.4 (MANE Select); coding-DNA position 3362, C replaced by T.
Protein change: p.Ala1121Val; replaces alanine 1121 with valine.
Molecular consequence: missense variant.
Genome position (GRCh38, 1-based): chr18:3,112,354, G>A on the plus strand (C>T on the coding strand, the complement: MYOM1 is on the minus strand). VCF-style: chr18-3112354-G-A. GRCh37 (hg19) VCF-style: chr18-3112352-G-A.
Other names: c.3074C>T, p.Ala1025Val (NM_019856.2); short protein forms A1121V, A1025V.
Identifiers: ClinVar variation 1443300 (VCV001443300.9), dbSNP rs371614580, ClinGen allele CA8874323.